The following is an entry in ClinVar:

NM_001394372.1(BICRA):c.1202CGG[1] (p.Ala402del)

Gene: BICRA (BRD4 interacting chromatin remodeling complex associated protein; plus strand). Cytogenetic location: 19q13.33.
Variant type: Microsatellite.
Coding change: c.1202CGG[1] on transcript NM_001394372.1 (MANE Select); one copy of the 3-base unit CGG starting at c.1202; the reference has two copies in a row; one copy, 3 bases deleted.
Protein change: p.Ala402del; deletes alanine 402.
Genome position (GRCh38, 1-based): chr19:47,680,375-47,680,377, CGG deleted; deleting any 3 consecutive bases within chr19:47,680,370-47,680,377 gives the same sequence; the position shown is the placement nearest the transcript's 3' end. VCF-style (leftmost placement, unchanged base first): chr19-47680369-TGGC-T. GRCh37 (hg19) VCF-style: chr19-48183626-TGGC-T.
Other names: c.1202CGG[1], p.Ala402del (NM_015711.3); c.1205_1207del (NM_015711.3); short protein forms A402del.
Identifiers: ClinVar variation 3365818 (VCV003365818.2).

ClinVar aggregate classification (germline): Uncertain significance (1 of 4 stars; one submission).

Submission:

GeneDx
Classification: Uncertain significance. Last evaluated: 2026-08-14. Review status: criteria provided, single submitter. Criteria: GeneDx Variant Classification Process June 2021. Collection method: clinical testing. Allele origin: germline.
Comment: Not observed at significant frequency in large population cohorts (gnomAD); In-frame deletion of 1 amino acid in a non-repeat region; In silico analysis supports a deleterious effect on protein structure/function; Has not been previously published as pathogenic or benign to our knowledge